The following is an entry in ClinVar:

NM_005431.2(XRCC2):c.794T>A (p.Leu265Ter)

Gene: XRCC2 (X-ray repair cross complementing 2; minus strand). Cytogenetic location: 7q36.1.
Variant type: single nucleotide variant.
Coding change: c.794T>A on transcript NM_005431.2 (MANE Select); coding-DNA position 794, T replaced by A.
Protein change: p.Leu265Ter; replaces leucine 265 with a stop codon.
Molecular consequence: nonsense.
Genome position (GRCh38, 1-based): chr7:152,648,691, A>T on the plus strand (T>A on the coding strand, the complement: XRCC2 is on the minus strand). VCF-style: chr7-152648691-A-T. GRCh37 (hg19) VCF-style: chr7-152345776-A-T.
Other names: c.794T>A (NM_005431.1); short protein forms L265*.
Identifiers: ClinVar variation 2720769 (VCV002720769.5), dbSNP rs771671971, ClinGen allele CA4582294.

ClinVar aggregate classification (germline): Uncertain significance. Review status: criteria provided, multiple submitters, no conflicts (2 of 4 stars). 2 submissions from 2 submitters: Uncertain significance (2). Last evaluated 2025-03-20.

Allele frequency attached by ClinVar (database versions not stated): gnomAD exomes below 0.00001.
gnomAD v4.1: 4 of 1,606,672 alleles (0.00025%); highest among the groups gnomAD compares: Middle Eastern, 0.017%; no homozygotes.

Submissions (2):

Quest Diagnostics Nichols Institute San Juan Capistrano
Classification: Uncertain significance. Last evaluated: 2025-03-20. Review status: criteria provided, single submitter. Criteria: Quest Diagnostics criteria. Collection method: clinical testing. Allele origin: unknown.
Comment: The XRCC2 c.794T>A (p.Leu265*) variant is predicted to create a premature stop codon in the terminal exon of the XRCC2 gene where it is not expected to trigger nonsense-mediated decay of the affected transcript. However, approximately 6% of the total protein is disrupted and thus an impact on protein function is uncertain. In the published literature, this variant has been reported in an individual with breast cancer (PMID: 36315097 (2023)). The frequency of this variant in the general population (Genome Aggregation Database) is uninformative in the assessment of its pathogenicity. Based on the available information, we are unable to determine the clinical significance of this variant.

Labcorp Genetics (formerly Invitae), Labcorp
Classification: Uncertain significance. Last evaluated: 2023-04-19. Review status: criteria provided, single submitter. Criteria: Invitae Variant Classification Sherloc (09022015). Collection method: clinical testing. Allele origin: germline.
Comment: This sequence change creates a premature translational stop signal (p.Leu265*) in the XRCC2 gene. While this is not anticipated to result in nonsense mediated decay, it is expected to disrupt the last 16 amino acid(s) of the XRCC2 protein. This variant is present in population databases (rs771671971, gnomAD 0.004%). This variant has not been reported in the literature in individuals affected with XRCC2-related conditions. Experimental studies and prediction algorithms are not available or were not evaluated, and the functional significance of this variant is currently unknown. In summary, the available evidence is currently insufficient to determine the role of this variant in disease. Therefore, it has been classified as a Variant of Uncertain Significance.

Literature cited by the submitters: PubMed 36315097 (cited by Quest Diagnostics Nichols Institute San Juan Capistrano).